The following is an entry in ClinVar:

ClinVar aggregate classification (germline): Uncertain significance (1 of 4 stars; one submission).

Conditions:
Naxos disease (NXD). Also called: KERATOSIS PALMOPLANTARIS WITH ARRHYTHMOGENIC CARDIOMYOPATHY; MAL DE NAXOS; PALMOPLANTAR KERATODERMA WITH ARRHYTHMOGENIC RIGHT VENTRICULAR CARDIOMYOPATHY AND WOOLLY HAIR; WOOLLY HAIR, PALMOPLANTAR KERATODERMA, AND CARDIAC ABNORMALITIES; CARDIOMYOPATHY, ARRHYTHMOGENIC RIGHT VENTRICULAR, WITH SKIN, HAIR, AND NAIL ABNORMALITIES. Identifiers: Orphanet 34217, MedGen C1832600, MONDO:0011017, OMIM 601214.
Arrhythmogenic right ventricular dysplasia 12. Also called: ARRHYTHMOGENIC RIGHT VENTRICULAR DYSPLASIA, FAMILIAL, 12. Identifiers: MedGen C1969081, MONDO:0012684, OMIM 611528.

Allele frequency attached by ClinVar (database versions not stated): ExAC 0.00001; gnomAD 0.00001.

Submission:

Labcorp Genetics (formerly Invitae), Labcorp
Classification: Uncertain significance for Arrhythmogenic right ventricular dysplasia 12; Naxos disease. Last evaluated: 2024-04-25. Review status: criteria provided, single submitter. Criteria: Invitae Variant Classification Sherloc (09022015). Collection method: clinical testing. Allele origin: germline.
Comment: This sequence change replaces proline, which is neutral and non-polar, with leucine, which is neutral and non-polar, at codon 525 of the JUP protein (p.Pro525Leu). This variant is present in population databases (rs781932589, gnomAD 0.06%). This variant has not been reported in the literature in individuals affected with JUP-related conditions. An algorithm developed to predict the effect of missense changes on protein structure and function (PolyPhen-2) suggests that this variant is likely to be disruptive. In summary, the available evidence is currently insufficient to determine the role of this variant in disease. Therefore, it has been classified as a Variant of Uncertain Significance.

NM_002230.4(JUP):c.1574C>T (p.Pro525Leu)

Gene: JUP (junction plakoglobin; minus strand). Cytogenetic location: 17q21.2.
Variant type: single nucleotide variant.
Coding change: c.1574C>T on transcript NM_002230.4 (MANE Select); coding-DNA position 1574, C replaced by T.
Protein change: p.Pro525Leu; replaces proline 525 with leucine.
Molecular consequence: missense variant.
Genome position (GRCh38, 1-based): chr17:41,758,794, G>A on the plus strand (C>T on the coding strand, the complement: JUP is on the minus strand). VCF-style: chr17-41758794-G-A. GRCh37 (hg19) VCF-style: chr17-39915046-G-A.
Other names: c.1574C>T, p.Pro525Leu (NM_001352773.2, NM_001352774.2, NM_001352775.2 and 3 more transcripts); short protein forms P525L.
Identifiers: ClinVar variation 2933172 (VCV002933172.3), dbSNP rs781932589, ClinGen allele CA8565188.